The following is an entry in ClinVar:

NM_000152.5(GAA):c.342del (p.Lys114fs)

Gene: GAA (alpha glucosidase; plus strand). Cytogenetic location: 17q25.3.
Variant type: Deletion.
Coding change: c.342del on transcript NM_000152.5 (MANE Select); coding-DNA position 342, one base deleted (G; older notation c.342delG).
Protein change: p.Lys114fs; shifts the reading frame from lysine 114.
Molecular consequence: frameshift variant.
Genome position (GRCh38, 1-based): chr17:80,104,928, G deleted. VCF-style (leftmost placement, unchanged base first): chr17-80104927-AG-A. GRCh37 (hg19) VCF-style: chr17-78078726-AG-A.
Other names: c.342del, p.Lys114fs (NM_001079803.3, NM_001079804.3); c.342del (LRG_673t1); short protein forms K114fs.
Identifiers: ClinVar variation 526523 (VCV000526523.14), dbSNP rs1555598796, ClinGen allele CA658798976.

ClinVar aggregate classification (germline): Likely pathogenic. Review status: reviewed by expert panel (3 of 4 stars). 2 submissions from 2 submitters: Likely pathogenic (1). 1 of the submissions does not count toward it. Last evaluated 2026-04-09.

Conditions:
Glycogen storage disease, type II (IOPD). Also called: POMPE DISEASE, INFANTILE-ONSET; GLYCOGEN STORAGE DISEASE II, INFANTILE-ONSET; ACID ALPHA-GLUCOSIDASE DEFICIENCY, INFANTILE-ONSET; GAA DEFICIENCY, INFANTILE-ONSET; ACID MALTASE DEFICIENCY, INFANTILE-ONSET; Glucosidase acid-1,4-alpha deficiency. Identifiers: Orphanet 365, MedGen C0017921, MONDO:0009290, OMIM 232300.

Submissions (2):

ClinGen Lysosomal Storage Disorder Variant Curation Expert Panel
Classification: Likely pathogenic for Glycogen storage disease, type II. Last evaluated: 2026-04-09. Review status: reviewed by expert panel. Criteria: clingen_lsd_acmg_specifications_v2-1. Collection method: curation. Allele origin: germline. Inheritance: Autosomal recessive inheritance.
Comment: The NM_000152.5:c.342del (p.Lys114AsnfsTer28) variant in GAA is a frameshift variant predicted to cause a premature stop codon in exon 1 out of a total of 20 exons, leading to nonsense mediated decay in a gene in which loss-of-function is an established disease mechanism (PVS1). The variant is absent in gnomAD v4.1.0. (PM2_Supporting). To our knowledge, this variant has not been reported in the literature in individuals with Pompe disease, and results of experimental studies are not available. There is a ClinVar entry for this variant (Variation ID: 526523). The classification of this variant has been upgraded from Variant of Uncertain Significance to Likely Pathogenic based on the recommendations of the ClinGen Sequence Variant Interpretation Working Group, that a variant meeting PVS1 and PM2_Supporting is classified as Likely Pathogenic. In summary, this variant meets the criteria to be classified as Likely Pathogenic for Pompe disease. GAA-specific ACMG/AMP criteria met, based on the specifications of the ClinGen Lysosomal Diseases VCEP (Specifications Version 2.0): PVS1, PM2_Supporting. (Classification approved by the ClinGen Lysosomal Diseases VCEP, April 9, 2026).

Labcorp Genetics (formerly Invitae), Labcorp
Classification: Pathogenic for Glycogen storage disease, type II. Last evaluated: 2021-05-19. Review status: criteria provided, single submitter. Criteria: Invitae Variant Classification Sherloc (09022015). Collection method: clinical testing. Allele origin: germline. Not counted in ClinVar's aggregate classification.
Comment: For these reasons, this variant has been classified as Pathogenic. Loss-of-function variants in GAA are known to be pathogenic (PMID: 2252923, 18425781, 22252923). This variant has not been reported in the literature in individuals with GAA-related disease. This variant is not present in population databases (ExAC no frequency). This sequence change creates a premature translational stop signal (p.Lys114Asnfs*28) in the GAA gene. It is expected to result in an absent or disrupted protein product.

Literature cited by the submitters: PubMed 2252923 (cited by Labcorp Genetics (formerly Invitae), Labcorp); PubMed 18425781 (cited by Labcorp Genetics (formerly Invitae), Labcorp); PubMed 22252923 (cited by Labcorp Genetics (formerly Invitae), Labcorp).